The following is an entry in ClinVar:

NM_001130987.2(DYSF):c.2059A>G (p.Ser687Gly)

Gene: DYSF (dysferlin; plus strand). Cytogenetic location: 2p13.2.
Variant type: single nucleotide variant.
Coding change: c.2059A>G on transcript NM_001130987.2 (MANE Select); coding-DNA position 2059, A replaced by G.
Protein change: p.Ser687Gly; replaces serine 687 with glycine.
Molecular consequence: missense variant.
Genome position (GRCh38, 1-based): chr2:71,553,881, A>G. VCF-style: chr2-71553881-A-G. GRCh37 (hg19) VCF-style: chr2-71781011-A-G.
Other names: c.2005A>G, p.Ser669Gly (NM_003494.4, NM_001130978.2); c.2008A>G, p.Ser670Gly (NM_001130455.2, NM_001130983.2); c.1963A>G, p.Ser655Gly (NM_001130976.2, NM_001130977.2); c.2098A>G, p.Ser700Gly (NM_001130979.2); c.2056A>G, p.Ser686Gly (NM_001130980.2, NM_001130981.2); c.2101A>G, p.Ser701Gly (NM_001130982.2); c.1966A>G, p.Ser656Gly (NM_001130984.2, NM_001130986.2); c.2059A>G, p.Ser687Gly (NM_001130985.2); short protein forms S656G, S670G, S686G, S701G, S655G, S669G, S687G, S700G.
Identifiers: ClinVar variation 1384599 (VCV001384599.6), dbSNP rs113450735, ClinGen allele CA49795886.

ClinVar aggregate classification (germline): Uncertain significance (1 of 4 stars; one submission).

Conditions:
Neuromuscular disease caused by qualitative or quantitative defects of dysferlin. Also called: Qualitative or quantitative defects of dysferlin; Dysferlinopathy. Identifiers: Orphanet 207073, MedGen C2931687, MONDO:0016145.

Allele frequency attached by ClinVar (database versions not stated): gnomAD exomes below 0.00001.
gnomAD v4.1: 1 of 1,614,134 alleles (0.000062%); highest among the groups gnomAD compares: Non-Finnish European, 0.000085%; no homozygotes.

Submission:

Labcorp Genetics (formerly Invitae), Labcorp
Classification: Uncertain significance for Neuromuscular disease caused by qualitative or quantitative defects of dysferlin. Last evaluated: 2025-10-02. Review status: criteria provided, single submitter. Criteria: Invitae Variant Classification Sherloc (09022015). Collection method: clinical testing. Allele origin: germline.
Comment: This sequence change replaces serine, which is neutral and polar, with glycine, which is neutral and non-polar, at codon 669 of the DYSF protein (p.Ser669Gly). This variant is not present in population databases (gnomAD no frequency). This variant has not been reported in the literature in individuals affected with DYSF-related conditions. ClinVar contains an entry for this variant (Variation ID: 1384599). Invitae Evidence Modeling of protein sequence and biophysical properties (such as structural, functional, and spatial information, amino acid conservation, physicochemical variation, residue mobility, and thermodynamic stability) indicates that this missense variant is not expected to disrupt DYSF protein function with a negative predictive value of 95%. In summary, the available evidence is currently insufficient to determine the role of this variant in disease. Therefore, it has been classified as a Variant of Uncertain Significance.